The following is an entry in ClinVar:

NM_031448.6(C19orf12):c.172G>A (p.Gly58Arg)

Gene: C19orf12 (chromosome 19 open reading frame 12; minus strand). Cytogenetic location: 19q12.
Variant type: single nucleotide variant.
Coding change: c.172G>A on transcript NM_031448.6 (MANE Select); coding-DNA position 172, G replaced by A.
Protein change: p.Gly58Arg; replaces glycine 58 with arginine.
Molecular consequence: missense variant. On other transcripts: 5 prime UTR variant (3).
Genome position (GRCh38, 1-based): chr19:29,702,966, C>T on the plus strand (G>A on the coding strand, the complement: C19orf12 is on the minus strand). VCF-style: chr19-29702966-C-T. GRCh37 (hg19) VCF-style: chr19-30193873-C-T.
Other names: C19ORF12, GLY69ARG; c.172G>A, p.Gly58Arg (NM_001031726.4, NM_001256046.3, NM_001256047.2); c.-21G>A (NM_001282929.1, NM_001282930.3, NM_001282931.3); short protein forms G69R, G58R.
Identifiers: ClinVar variation 31157 (VCV000031157.55), dbSNP rs515726205, ClinGen allele CA345637.
Genomic context (GRCh38, chr19:29,702,966, plus strand): 5'-TTAGGATCTGAGGAACCGGCTTAAACTGTCCACTTGTCATCCAGGCACCTAACAGCCCCC[C>T]GACAGCCCCCCCTAGAAAACATGGAATCGTTCAATTAGTGGGTCTTATTCATAAGCGATG-3'
Protein context (NP_113636.2, residues 48-68): PPGLAVGGAV[Gly58Arg]GLLGAWMTSG

ClinVar aggregate classification (germline): Pathogenic/Likely pathogenic. Review status: criteria provided, multiple submitters, no conflicts (2 of 4 stars). 11 submissions from 11 submitters: Pathogenic (6); Likely pathogenic (3). 2 of the submissions do not count toward it. Last evaluated 2025-09-20.

Conditions:
Hereditary spastic paraplegia 43. Also called: Spastic paraplegia 43, autosomal recessive. Identifiers: Orphanet 320370, MedGen C2680446, MONDO:0014024, OMIM 615043.
Neurodegeneration with brain iron accumulation 4 (NBIA4). Also called: MITOCHONDRIAL PROTEIN-ASSOCIATED NEURODEGENERATION. Identifiers: Orphanet 289560, MedGen C3280371, MONDO:0013674, OMIM 614298. Disease mechanism: loss of function.
Neurodegeneration with brain iron accumulation (NBIA). Identifiers: Orphanet 385, MedGen C2931845, MONDO:0018307.
Mental deterioration. Also called: Cognitive decline. Identifiers: MedGen C0234985, HP:0001268.
Tremor. Also called: tremors. Identifiers: MedGen C0040822, HP:0001337.
Dystonic disorder. Also called: Dystonia. Identifiers: MedGen C0013421, MONDO:0003441, HP:0001332.
Adult-onset night blindness. Identifiers: MedGen C4024790, HP:0007830.
Peripheral visual field loss. Identifiers: MedGen C0241688, HP:0007994.

Allele frequency attached by ClinVar (database versions not stated): gnomAD 0.00001; ExAC 0.00002; gnomAD exomes 0.00002; TOPMed 0.00002.
gnomAD v4.1: 30 of 1,613,708 alleles (0.0019%); highest among the groups gnomAD compares: Non-Finnish European, 0.0024%; no homozygotes.

Submissions (11):

Labcorp Genetics (formerly Invitae), Labcorp
Classification: Pathogenic for Hereditary spastic paraplegia 43. Last evaluated: 2025-09-20. Review status: criteria provided, single submitter. Criteria: Invitae Variant Classification Sherloc (09022015). Collection method: clinical testing. Allele origin: germline.
Comment: This sequence change replaces glycine, which is neutral and non-polar, with arginine, which is basic and polar, at codon 69 of the C19orf12 protein (p.Gly69Arg). This variant is present in population databases (rs515726205, gnomAD 0.006%). This missense change has been observed in individual(s) with neurodegeneration with brain iron accumulation (NBIA) (PMID: 21981780, 23269600, 23494994, 25592411, 30088953). In at least one individual the data is consistent with being in trans (on the opposite chromosome) from a pathogenic variant. ClinVar contains an entry for this variant (Variation ID: 31157). An algorithm developed to predict the effect of missense changes on protein structure and function (PolyPhen-2) suggests that this variant is likely to be disruptive. Experimental studies have shown that this missense change affects C19orf12 function (PMID: 23857908). For these reasons, this variant has been classified as Pathogenic.

Dasa
Classification: Pathogenic. Last evaluated: 2025-07-09. Review status: criteria provided, single submitter. Criteria: DASA Assertion Criteria. Collection method: clinical testing. Allele origin: germline.
Comment: NM_031448.6(C19orf12):c.172G>A (p.Gly58Arg) is a missense variant that results in the substitution of glycine with arginine. This variant has been recurrently observed in affected individuals with related phenotype in a genotype context consistent with recessive disease (PMID: 23857908; PMID: 21981780; PMID: 23269600; PMID: 23494994; PMID: 25592411). Functional evidence supports a deleterious effect on the gene or gene product (PMID: 23857908; PMID: 21981780; PMID: 23269600; PMID: 23494994; PMID: 25592411). Multiple computational predictions support a deleterious effect on the gene or gene product. The variant is present at low frequency in population datasets. Based on the available data, this variant is classified as pathogenic.

Fulgent Genetics
Classification: Likely pathogenic for Neurodegeneration with brain iron accumulation 4; Hereditary spastic paraplegia 43. Last evaluated: 2024-02-18. Review status: criteria provided, single submitter. Criteria: ACMG Guidelines, 2015. Collection method: clinical testing. Allele origin: germline.

CeGaT Center for Human Genetics Tuebingen
Classification: Pathogenic. Last evaluated: 2023-05-01. Review status: criteria provided, single submitter. Criteria: CeGaT Center For Human Genetics Tuebingen Variant Classification Criteria Version 2. Collection method: clinical testing. Allele origin: germline. Affected: yes. Observed: 1 variant allele.
Comment: C19orf12: PM3:Very Strong, PM2, PP3

Women's Health and Genetics/Laboratory Corporation of America, LabCorp
Classification: Pathogenic for Neurodegeneration with brain iron accumulation. Last evaluated: 2023-04-13. Review status: criteria provided, single submitter. Criteria: LabCorp Variant Classification Summary - May 2015. Collection method: clinical testing. Allele origin: germline.
Comment: Variant summary: C19orf12 c.172G>A (p.Gly58Arg), also referred to as c.205G>A (p.Gly69Arg), results in a non-conservative amino acid change in the encoded protein sequence. Five of five in-silico tools predict a damaging effect of the variant on protein function. The variant allele was found at a frequency of 2.4e-05 in 249134 control chromosomes (gnomAD). c.172G>A has been reported in the literature as a biallelic genotype in multiple individuals affected with Neurodegeneration With Brain Iron Accumulation (e.g. Hartig_2011, Hogarth_2013, Tschentscher_2015). These data indicate that the variant is very likely to be associated with disease. Six submitters have provided clinical-significance assessments for this variant to ClinVar after 2014 and all classified the variant as pathogenic (n=4)/likely pathogenic (n=2). Based on the evidence outlined above, the variant was classified as pathogenic.

Laboratorio de Genetica e Diagnostico Molecular, Hospital Israelita Albert Einstein
Classification: Likely pathogenic for Neurodegeneration with brain iron accumulation 4. Last evaluated: 2021-05-07. Review status: criteria provided, single submitter. Criteria: ACMG Guidelines, 2015. Collection method: clinical testing. Allele origin: germline. Affected: yes.
Comment: ACMG classification criteria: PS4 moderate, PM2, PM3, PP3

Revvity Omics, Revvity
Classification: Pathogenic. Last evaluated: 2019-12-12. Review status: criteria provided, single submitter. Criteria: ACMG Guidelines, 2015. Collection method: clinical testing. Allele origin: germline.

Laboratory for Molecular Medicine, Mass General Brigham Personalized Medicine
Classification: Likely pathogenic for Neurodegeneration with brain iron accumulation 4. Last evaluated: 2018-10-05. Review status: criteria provided, single submitter. Criteria: LMM Criteria. Collection method: clinical testing. Allele origin: germline. Inheritance: Autosomal recessive inheritance. Observed: 1 variant allele.
Comment: The p.Gly69Arg in C19orf12 has been reported in the homozygous or compound heter ozygous state in 6 individuals with mitochondrial membrane protein-associated ne urodegeneration (MPAN; Hartig 2011, Hogarth 2013, Goldman 2013, Tschentscher 201 5). It has also been identified in 7/124358 of European chromosomes by gnomAD; however, this frequency is low enough to be co nsistent with a recessive carrier frequency. This variant has been reported in C linVar (Variation ID 183298). In vitro functional studies support an impact to p rotein function (Landoure 2013) and computational prediction tools and conservat ion analysis are consistent with pathogenicity. In summary, although additional studies are required to fully establish its clinical significance, this variant meets criteria to be classified as likely pathogenic for autosomal recessive MPA N. ACMG/AMP criteria applied: PM3_Strong, PM2, PP3, PS3_Supporting

Centre for Mendelian Genomics, University Medical Centre Ljubljana
Classification: Pathogenic for Adult-onset night blindness; Dystonic disorder; Mental deterioration; Peripheral visual field loss; Tremor. Last evaluated: 2015-07-01. Review status: criteria provided, single submitter. Criteria: ACMG Guidelines, 2015. Collection method: clinical testing. Allele origin: unknown. Affected: yes.

Aziz Sancar Institute of Experimental Medicine, Istanbul University
Classification: Pathogenic for Neurodegeneration with brain iron accumulation 4. Last evaluated: 2018-08-08. Review status: no assertion criteria provided. Collection method: clinical testing. Allele origin: germline. Inheritance: Autosomal recessive inheritance. Affected: yes. Observed: 1 homozygote. Not counted in ClinVar's aggregate classification.
Comment: The c.205G>A; p.Gly69Arg (NM_001031726.3) variant is associated with neurodegeneration with brain iron accumulation (Hartig 2011).

OMIM
Classification: Pathogenic for NEURODEGENERATION WITH BRAIN IRON ACCUMULATION 4, AUTOSOMAL RECESSIVE. Last evaluated: 2011-10-07. Review status: no assertion criteria provided. Collection method: literature only. Allele origin: germline. Not counted in ClinVar's aggregate classification.

Literature cited by the submitters: PubMed 21981780 (cited by 5 submitters); PubMed 23269600 (cited by 4 submitters); PubMed 23494994 (cited by 3 submitters); PubMed 25592411 (cited by 4 submitters); PubMed 30088953 (cited by Labcorp Genetics (formerly Invitae), Labcorp and Dasa); PubMed 23857908 (cited by 3 submitters).